The following is an entry in ClinVar:

ClinVar aggregate classification (germline): Likely pathogenic (1 of 4 stars; one submission).

Conditions:
Intellectual developmental disorder, X-linked, syndromic, Snyder-Robinson type. Also called: SNYDER-ROBINSON MENTAL RETARDATION SYNDROME; Spermine synthase deficiency; Syndromic X-linked intellectual disability Snyder type; X-linked mental retardation Snyder - Robinson type. Identifiers: Orphanet 3063, MedGen C0796160, MONDO:0010664, OMIM 309583.

Submissions (3):

Institute for Genomic Statistics and Bioinformatics, University Hospital Bonn
Classification: Likely pathogenic for Intellectual developmental disorder, X-linked, syndromic, Snyder-Robinson type. Review status: criteria provided, single submitter. Criteria: ACMG Guidelines, 2015. Collection method: clinical testing. Allele origin: maternal. Inheritance: X-linked inheritance. Affected: yes. Observed: 1 hemizygote.
Comment: By means of exome sequencing and subsequent analysis of the genes with the ten highest PEDIA values (PMID 31164752), a possibly disease-causing missense variant in the SMS gene was identified. The sequencing of exon 5 (NM_004595) revealed a hemizygotic base exchange at nucleotide position 410 of the cDNA. The name of the variant is: c.410A> G; p. (Asp137Giy). In phenotype-related and population-related databases, the above-mentioned missense variant is not listed. The mutation prediction programs MutationTaster, SIFT and PolyPhen-2 estimate the variant as pathogenic, the CADD score is 25.7. It is a highly conserved amino acid that lies in a spermidine synthase domain. The ACMG classification of the variant is: probably pathogenic (PM1 PM2 PP1 PP2 PP3). Certain pathogenic variants in the SMS gene are responsible for Snyder-Robinson syndrome (OMIM # 309583). This syndrome is characterized by moderate intelligence, muscle hypotension, insecure gait, osteoporosis, kyphoscoliosis and facial asymmetry. Inheritance is X-linked recessive.

Dr. Peter K. Rogan Lab, Western University
No classification provided (evidence only). Condition: Nonpapillary renal cell carcinoma. Review status: no classification provided. Collection method: in vitro. Allele origin: not applicable. Functional consequence: retained intron. Not counted in ClinVar's aggregate classification.

Dr. Peter K. Rogan Lab, Western University
No classification provided (evidence only). Condition: Nonpapillary renal cell carcinoma. Review status: no classification provided. Collection method: in vitro. Allele origin: not applicable. Functional consequence: retained intron. Not counted in ClinVar's aggregate classification.

NM_004595.5(SMS):c.410A>G (p.Asp137Gly)

Gene: SMS (spermine synthase; plus strand). Cytogenetic location: Xp22.11.
Variant type: single nucleotide variant.
Coding change: c.410A>G on transcript NM_004595.5 (MANE Select); coding-DNA position 410, A replaced by G.
Protein change: p.Asp137Gly; replaces aspartic acid 137 with glycine.
Molecular consequence: missense variant.
Genome position (GRCh38, 1-based): chrX:21,977,141, A>G. VCF-style: chrX-21977141-A-G. GRCh37 (hg19) VCF-style: chrX-21995259-A-G.
Other names: NC_000023.10:g.21995259A>G; c.251A>G, p.Asp84Gly (NM_001258423.2); short protein forms D137G, D84G.
Identifiers: ClinVar variation 916028 (VCV000916028.4), dbSNP rs1924586809, ClinGen allele CA412567252.